The following is an entry in ClinVar:

ClinVar aggregate classification (germline): Likely benign. Review status: criteria provided, multiple submitters, no conflicts (2 of 4 stars). 2 submissions from 2 submitters: Likely benign (2). Last evaluated 2015-06-29.

Allele frequency attached by ClinVar (database versions not stated): ExAC 0.00003; gnomAD exomes 0.00006.
gnomAD v4.1: 44 of 1,613,214 alleles (0.0027%); highest among the groups gnomAD compares: South Asian, 0.044%; 1 homozygote.

Submissions (2):

Laboratory for Molecular Medicine, Mass General Brigham Personalized Medicine
Classification: Likely benign. Last evaluated: 2015-06-29. Review status: criteria provided, single submitter. Criteria: LMM Criteria. Collection method: clinical testing. Allele origin: germline. Observed: 1 variant allele.
Comment: c.706-7C>T in intron 4 of GIPC3: This variant is not expected to have clinical s ignificance because it does not diverge from the splice site consensus sequence and computational tools do not predict an impact to splicing. This variant has b een identified in 3/16466 South Asian chromosomes by the Exome Aggregation Conso rtium (ExAC).

Breakthrough Genomics
Classification: Likely benign. Review status: criteria provided, single submitter. Criteria: ACMG Guidelines, 2015. Collection method: not provided. Allele origin: germline. Inheritance: Autosomal recessive inheritance. Affected: yes.

NM_133261.3(GIPC3):c.706-7C>T

Gene: GIPC3 (GIPC PDZ domain containing family member 3; plus strand). Cytogenetic location: 19p13.3.
Variant type: single nucleotide variant.
Coding change: c.706-7C>T on transcript NM_133261.3 (MANE Select); 7 bases into the intron before coding-DNA position 706, C replaced by T.
Molecular consequence: intron variant.
Genome position (GRCh38, 1-based): chr19:3,589,824, C>T. VCF-style: chr19-3589824-C-T. GRCh37 (hg19) VCF-style: chr19-3589822-C-T.
Identifiers: ClinVar variation 227383 (VCV000227383.5), dbSNP rs775627552, ClinGen allele CA9080527.
Genomic context (GRCh38, chr19:3,589,824, plus strand): 5'-CGGGAGGGGGCTGGGCTGGAGGGCTCCAAAGCTTTTCACCCCTGACTTCCCTCCCGTGTG[C>T]CCCCAGCCCAGTGAGTTTGAGGAGGAGGCATCTCGGAAGGTTGATGACCTGCTGGAAAGC-3'